The following is an entry in ClinVar:

ClinVar aggregate classification (germline): Uncertain significance (1 of 4 stars; one submission).

Conditions:
Inborn genetic diseases. Identifiers: MedGen C0950123, MeSH D030342.

Submission:

Ambry Genetics
Classification: Uncertain significance for Inborn genetic diseases. Last evaluated: 2017-03-09. Review status: criteria provided, single submitter. Criteria: Ambry Variant Classification Scheme 2023. Collection method: clinical testing. Allele origin: germline.
Comment: The p.H119D variant (also known as c.355C>G), located in coding exon 3 of the GATM gene, results from a C to G substitution at nucleotide position 355. The histidine at codon 119 is replaced by aspartic acid, an amino acid with similar properties. This amino acid position is highly conserved in available vertebrate species. In addition, this alteration is predicted to be deleterious by in silico analysis. Since supporting evidence is limited at this time, the clinical significance of this alteration remains unclear.

NM_001482.3(GATM):c.355C>G (p.His119Asp)

Gene: GATM (glycine amidinotransferase; minus strand). Cytogenetic location: 15q21.1.
Variant type: single nucleotide variant.
Coding change: c.355C>G on transcript NM_001482.3 (MANE Select); coding-DNA position 355, C replaced by G.
Protein change: p.His119Asp; replaces histidine 119 with aspartic acid.
Molecular consequence: missense variant. On other transcripts: 5 prime UTR variant (1).
Genome position (GRCh38, 1-based): chr15:45,369,455, G>C on the plus strand (C>G on the coding strand, the complement: GATM is on the minus strand). VCF-style: chr15-45369455-G-C. GRCh37 (hg19) VCF-style: chr15-45661653-G-C.
Other names: c.-33C>G (NM_001321015.2); short protein forms H119D.
Identifiers: ClinVar variation 588864 (VCV000588864.5), dbSNP rs757696021, ClinGen allele CA392261971.